The following is an entry in ClinVar:

ClinVar aggregate classification (germline): Pathogenic (1 of 4 stars; one submission).

Conditions:
Hereditary cancer-predisposing syndrome. Also called: Hereditary Cancer Syndrome; Hereditary neoplastic syndrome; Neoplastic Syndromes, Hereditary; Tumor predisposition. Identifiers: Orphanet 140162, MedGen C0027672, MeSH D009386, MONDO:0015356.

Submission:

Ambry Genetics
Classification: Pathogenic for Hereditary cancer-predisposing syndrome. Last evaluated: 2017-01-26. Review status: criteria provided, single submitter. Criteria: Ambry Variant Classification Scheme 2023. Collection method: clinical testing. Allele origin: germline.
Comment: The EX6dup (also known as c.441+1729_547+704dup) gross duplication spans coding exon 6 in the BRCA1 gene. Additional analysis to determine breakpoints identified that this duplication is in tandem and is predicted to result in a premature truncation causing a translational frameshift with a predicted alternate stop codon (Ambry internal data). As such, this alteration is interpreted as a disease-causing mutation.

NM_007294.4(BRCA1):c.441+1729_547+704dup

Gene: BRCA1 (BRCA1 DNA repair associated; minus strand). Cytogenetic location: 17q21.31.
Variant type: Duplication.
Coding change: c.441+1729_547+704dup on transcript NM_007294.4 (MANE Select); 1729 bases into the intron after coding-DNA position 441 through 704 bases into the intron after coding-DNA position 547, 3,323 bases duplicated.
Molecular consequence: splice acceptor variant, splice donor variant. On other transcripts: intron variant (2).
Genome position (GRCh38, 1-based): chr17:43,099,071-43,102,393, 3,323 bases duplicated. GRCh37 (hg19): chr17:41,251,088-41,254,410.
Other names: c.300+1729_406+704dup (NM_001408458.1, NM_001407922.1, NM_001408469.1 and 61 more transcripts); c.-218-7533_-218-4211dup (NM_001407967.1, NM_001407966.1); c.60+1729_166+704dup (NM_001407959.1, NM_001408512.1, NM_001408510.1 and 3 more transcripts); c.300+1729_403+704dup (NM_001407931.1, NM_001407747.1, NM_001408470.1 and 35 more transcripts); c.60+1729_163+704dup (NM_001407962.1); c.231+1729_337+704dup (NM_001407885.1, NM_001407886.1, NM_001407881.1 and 37 more transcripts); c.441+1729_544+704dup (NM_001407686.1, NM_001408397.1, NM_001407632.1 and 65 more transcripts); c.441+1729_547+704dup (NM_001408436.1, NM_001407665.1, NM_001407980.1 and 96 more transcripts); and 5 more.
Identifiers: ClinVar variation 1740399 (VCV001740399.2), ClinGen allele CA2580094144.